The following is an entry in ClinVar:

NM_006206.6(PDGFRA):c.1186G>T (p.Ala396Ser)

Gene: PDGFRA (platelet derived growth factor receptor alpha; plus strand). Cytogenetic location: 4q12.
Variant type: single nucleotide variant.
Coding change: c.1186G>T on transcript NM_006206.6 (MANE Select); coding-DNA position 1186, G replaced by T.
Protein change: p.Ala396Ser; replaces alanine 396 with serine.
Molecular consequence: missense variant.
Genome position (GRCh38, 1-based): chr4:54,270,697, G>T. VCF-style: chr4-54270697-G-T. GRCh37 (hg19) VCF-style: chr4-55136864-G-T.
Other names: c.1186G>T, p.Ala396Ser (NM_001347827.2, NM_001347829.2); c.1261G>T, p.Ala421Ser (NM_001347828.2); c.1225G>T, p.Ala409Ser (NM_001347830.2); short protein forms A409S, A396S, A421S.
Identifiers: ClinVar variation 952811 (VCV000952811.12), dbSNP rs1327567130, ClinGen allele CA356892006.

ClinVar aggregate classification (germline): Uncertain significance. Review status: criteria provided, multiple submitters, no conflicts (2 of 4 stars). 2 submissions from 2 submitters: Uncertain significance (2). Last evaluated 2025-11-01.

Conditions:
Gastrointestinal stromal tumor. Also called: Gastrointestinal stromal tumor, somatic; Gastrointestinal stroma tumor. Identifiers: Orphanet 44890, MedGen C0238198, MeSH D046152, MONDO:0011719, OMIM 606764, HP:0100723.
Hereditary cancer-predisposing syndrome. Also called: Hereditary neoplastic syndrome; Neoplastic Syndromes, Hereditary; Hereditary Cancer Syndrome; Tumor predisposition. Identifiers: Orphanet 140162, MedGen C0027672, MeSH D009386, MONDO:0015356.

Allele frequency attached by ClinVar (database versions not stated): TOPMed below 0.00001.

Submissions (2):

Ambry Genetics
Classification: Uncertain significance for Hereditary cancer-predisposing syndrome. Last evaluated: 2025-11-01. Review status: criteria provided, single submitter. Criteria: Ambry Variant Classification Scheme 2023. Collection method: clinical testing. Allele origin: germline.
Comment: The p.A396S variant (also known as c.1186G>T), located in coding exon 7 of the PDGFRA gene, results from a G to T substitution at nucleotide position 1186. The alanine at codon 396 is replaced by serine, an amino acid with similar properties. This amino acid position is conserved. In addition, the in silico prediction for this alteration is inconclusive. Since supporting evidence is limited at this time, the clinical significance of this alteration remains unclear.

Labcorp Genetics (formerly Invitae), Labcorp
Classification: Uncertain significance for Gastrointestinal stromal tumor. Last evaluated: 2025-09-22. Review status: criteria provided, single submitter. Criteria: Invitae Variant Classification Sherloc (09022015). Collection method: clinical testing. Allele origin: germline.
Comment: This sequence change replaces alanine, which is neutral and non-polar, with serine, which is neutral and polar, at codon 396 of the PDGFRA protein (p.Ala396Ser). This variant is not present in population databases (gnomAD no frequency). This variant has not been reported in the literature in individuals affected with PDGFRA-related conditions. ClinVar contains an entry for this variant (Variation ID: 952811). Invitae Evidence Modeling of protein sequence and biophysical properties (such as structural, functional, and spatial information, amino acid conservation, physicochemical variation, residue mobility, and thermodynamic stability) indicates that this missense variant is not expected to disrupt PDGFRA protein function with a negative predictive value of 80%. In summary, the available evidence is currently insufficient to determine the role of this variant in disease. Therefore, it has been classified as a Variant of Uncertain Significance.